The following is an entry in ClinVar:

ClinVar aggregate classification (germline): Pathogenic (1 of 4 stars; one submission).

Submission:

GeneDx
Classification: Pathogenic. Last evaluated: 2016-03-10. Review status: criteria provided, single submitter. Criteria: GeneDx Variant Classification (06012015). Collection method: clinical testing. Allele origin: germline. Affected: yes.
Comment: The c.1685dupT pathogenic variant in the KRIT1 gene causes a frameshift starting with codon Tyrosine 563, changes this amino acid to a Leucine residue and creates a premature Stop codon at position 5 of the new reading frame, denoted p.Tyr563LeufsX5. This pathogenic variant is predicted to cause loss of normal protein function either through protein truncation or nonsense-mediated mRNA decay. Although this variant has not been previously reported to our knowledge, we consider it to be pathogenic.

NM_194454.3(KRIT1):c.1685dup (p.Tyr563fs)

Gene: KRIT1 (KRIT1 ankyrin repeat containing; minus strand). Cytogenetic location: 7q21.2.
Variant type: Duplication.
Coding change: c.1685dup on transcript NM_194454.3 (MANE Select); coding-DNA position 1685, one base duplicated (T; older notation c.1685dupT).
Protein change: p.Tyr563fs; shifts the reading frame from tyrosine 563.
Molecular consequence: frameshift variant.
Genome position (GRCh38, 1-based): chr7:92,214,656, A duplicated on the plus strand (T on the coding strand, the reverse complement: KRIT1 is on the minus strand). VCF-style (leftmost placement, unchanged base first): chr7-92214655-G-GA. GRCh37 (hg19) VCF-style: chr7-91843969-G-GA.
Other names: c.1685dupT (NM_194456.1); c.1541dup, p.Tyr515fs (NM_001013406.2, NM_001350669.1, NM_001350670.1); c.971dup, p.Tyr325fs (NM_001350671.1); c.1685dup, p.Tyr563fs (NM_001350672.1, NM_001350673.1, NM_001350674.1 and 26 more transcripts); short protein forms Y515fs, Y563fs, Y325fs.
Identifiers: ClinVar variation 280351 (VCV000280351.2), dbSNP rs886041572, ClinGen allele CA10603049.